The following is an entry in ClinVar:

NM_005918.4(MDH2):c.118C>G (p.Leu40Val)

Gene: MDH2 (malate dehydrogenase 2; plus strand). Cytogenetic location: 7q11.23.
Variant type: single nucleotide variant.
Coding change: c.118C>G on transcript NM_005918.4 (MANE Select); coding-DNA position 118, C replaced by G.
Protein change: p.Leu40Val; replaces leucine 40 with valine.
Molecular consequence: missense variant. On other transcripts: intron variant (1).
Genome position (GRCh38, 1-based): chr7:76,054,881, C>G. VCF-style: chr7-76054881-C-G. GRCh37 (hg19) VCF-style: chr7-75684199-C-G.
Other names: c.118C>G, p.Leu40Val (NM_001282403.2); c.-86-2529C>G (NM_001282404.2); short protein forms L40V.
Identifiers: ClinVar variation 1744475 (VCV001744475.2), dbSNP rs2535852679, ClinGen allele CA367762286.

ClinVar aggregate classification (germline): Uncertain significance (1 of 4 stars; one submission).

Conditions:
Inborn genetic diseases. Identifiers: MedGen C0950123, MeSH D030342.

Submission:

Ambry Genetics
Classification: Uncertain significance for Inborn genetic diseases. Last evaluated: 2022-04-01. Review status: criteria provided, single submitter. Criteria: Ambry Variant Classification Scheme 2023. Collection method: clinical testing. Allele origin: germline.
Comment: The p.L40V variant (also known as c.118C>G), located in coding exon 2 of the MDH2 gene, results from a C to G substitution at nucleotide position 118. The leucine at codon 40 is replaced by valine, an amino acid with highly similar properties. This amino acid position is conserved. In addition, the in silico prediction for this alteration is inconclusive. Since supporting evidence is limited at this time, the clinical significance of this alteration remains unclear.